The following is an entry in ClinVar:

NM_001197104.2(KMT2A):c.1610G>C (p.Ser537Thr)

Gene: KMT2A (lysine methyltransferase 2A; plus strand). Cytogenetic location: 11q23.3.
Variant type: single nucleotide variant.
Coding change: c.1610G>C on transcript NM_001197104.2 (MANE Select); coding-DNA position 1610, G replaced by C.
Protein change: p.Ser537Thr; replaces serine 537 with threonine.
Molecular consequence: missense variant.
Genome position (GRCh38, 1-based): chr11:118,472,769, G>C. VCF-style: chr11-118472769-G-C. GRCh37 (hg19) VCF-style: chr11-118343484-G-C.
Other names: c.1709G>C, p.Ser570Thr (NM_001412597.1); c.1610G>C, p.Ser537Thr (NM_005933.4); short protein forms S537T, S570T.
Identifiers: ClinVar variation 1806249 (VCV001806249.1), dbSNP rs1555036089, ClinGen allele CA382810482.

ClinVar aggregate classification (germline): Uncertain significance (1 of 4 stars; one submission).

Conditions:
Wiedemann-Steiner syndrome (WDSTS). Also called: Growth deficiency and mental retardation with facial dysmorphism. Identifiers: Orphanet 319182, MedGen C1854630, MONDO:0011518, OMIM 605130.

gnomAD v4.1: 1 of 1,613,754 alleles (0.000062%); no homozygotes.

Submission:

Victorian Clinical Genetics Services, Murdoch Childrens Research Institute
Classification: Uncertain significance for Wiedemann-Steiner syndrome. Last evaluated: 2020-06-11. Review status: criteria provided, single submitter. Criteria: ACMG Guidelines, 2015. Collection method: clinical testing. Allele origin: germline. Inheritance: Autosomal dominant inheritance. Affected: yes.
Comment: Based on the classification scheme VCGS_Germline_v1.1.1, this variant is classified as VUS – 3B. Following criteria are met: 0102 - Loss-of-function is a known mechanism of disease for this gene. (N) 0107 - This gene is known to be associated with autosomal dominant disease. (N) 0200 - Variant is predicted to result in a missense amino acid change from serine to threonine. This variant is in exon 3 in the KMT2A gene. (N) 0251 - Variant is heterozygous. (N) 0302 - Variant is present in gnomAD <0.001 for a dominant condition (1 heterozygote, 0 homozygotes). (P) 0502 - Missense variant with conflicting in silico predictions and/or uninformative conservation. (N) 0604 - Variant is not located in an established domain, motif, hotspot or informative constraint region. (N) 0705 - No comparable variants have previous evidence for pathogenicity. (N) 0807 - Variant has not previously been reported in a clinical context. (N) 0905 - No segregation evidence has been identified for this variant in the literature. (N) 1007 - No published functional evidence has been identified for this variant. (N) 1208 - Inheritance information for this variant is not currently available. (N) Legend: (P) - Pathogenic, (N) - Neutral, (B) - Benign